The following is an entry in ClinVar:

ClinVar aggregate classification (germline): Pathogenic. Review status: criteria provided, multiple submitters, no conflicts (2 of 4 stars). 5 submissions from 5 submitters: Pathogenic (5). Last evaluated 2025-09-23.

Conditions:
Polycystic kidney disease 4 (PKD4). Also called: PKD3; POLYCYSTIC KIDNEY AND HEPATIC DISEASE 1; POLYCYSTIC KIDNEY DISEASE, INFANTILE, TYPE I; POLYCYSTIC KIDNEY DISEASE 4 WITH OR WITHOUT POLYCYSTIC LIVER DISEASE; Autosomal Recessive Polycystic Kidney Disease – PKHD1. Identifiers: MedGen C4540575, MONDO:0033004, OMIM 263200.
Autosomal recessive polycystic kidney disease (ARPKD). Also called: AR polycystic kidney disease. Identifiers: Orphanet 731, Orphanet 8378, MedGen C0085548, MeSH D017044, MONDO:0009889.

Submissions (5):

Natera, Inc.
Classification: Pathogenic for Autosomal recessive polycystic kidney disease. Last evaluated: 2025-09-23. Review status: criteria provided, single submitter. Criteria: Natera Variant Classification Schema (03/2026). Collection method: clinical testing. Allele origin: germline.
Comment: The c.1529delG variant in PKHD1 is a frameshift variant predicted to shift the reading frame beginning at codon 510 and leads to a stop codon 25 codons downstream. This variant is expected to result in nonsense mediated decay, truncation, or a dysfunctional protein product. This variant is rare in the general population with a frequency below the threshold expected for the associated phenotype(s). This variant has been observed in one or more individuals affected with the associated recessive disease, as either homozygous or compound heterozygous with a second variant (PMID: 24162162). Given the available evidence, this variant is classified as Pathogenic.

Labcorp Genetics (formerly Invitae), Labcorp
Classification: Pathogenic for Autosomal recessive polycystic kidney disease. Last evaluated: 2023-12-21. Review status: criteria provided, single submitter. Criteria: Invitae Variant Classification Sherloc (09022015). Collection method: clinical testing. Allele origin: germline.
Comment: This sequence change creates a premature translational stop signal (p.Gly510Alafs*25) in the PKHD1 gene. It is expected to result in an absent or disrupted protein product. Loss-of-function variants in PKHD1 are known to be pathogenic (PMID: 19940839). This variant is not present in population databases (gnomAD no frequency). This premature translational stop signal has been observed in individual(s) with polycystic kidney disease (PMID: 12846734). ClinVar contains an entry for this variant (Variation ID: 917695). For these reasons, this variant has been classified as Pathogenic.

Baylor Genetics
Classification: Pathogenic for Polycystic kidney disease 4. Last evaluated: 2022-08-12. Review status: criteria provided, single submitter. Criteria: ACMG Guidelines, 2015. Collection method: clinical testing. Allele origin: unknown.

Women's Health and Genetics/Laboratory Corporation of America, LabCorp
Classification: Pathogenic for Autosomal recessive polycystic kidney disease. Last evaluated: 2020-02-02. Review status: criteria provided, single submitter. Criteria: LabCorp Variant Classification Summary - May 2015. Collection method: clinical testing. Allele origin: germline.
Comment: Variant summary: PKHD1 c.1529delG (p.Gly510AlafsX25) results in a premature termination codon, predicted to cause a truncation of the encoded protein or absence of the protein due to nonsense mediated decay, which are commonly known mechanisms for disease. Truncations downstream of this position have been classified as pathogenic by our laboratory. The variant was absent in 250922 control chromosomes. c.1529delG has been reported in the literature in multiple individuals affected with Polycystic Kidney and Hepatic Disease (example, Rossetti_2003, Bullich_2018, Krall_2014). These data indicate that the variant is very likely to be associated with disease. To our knowledge, no experimental evidence demonstrating an impact on protein function has been reported. No clinical diagnostic laboratories have submitted clinical-significance assessments for this variant to ClinVar after 2014. Based on the evidence outlined above, the variant was classified as pathogenic.

Molecular Biology Laboratory, Fundació Puigvert
Classification: Pathogenic for Polycystic kidney disease 4. Last evaluated: 2020-02-01. Review status: criteria provided, single submitter. Criteria: ACMG Guidelines, 2015. Collection method: research. Allele origin: maternal. Affected: yes. Study: KidneyPanel_2020.

Literature cited by the submitters: PubMed 24162162 (cited by Natera, Inc. and Women's Health and Genetics/Laboratory Corporation of America, LabCorp); PubMed 19940839 (cited by Labcorp Genetics (formerly Invitae), Labcorp); PubMed 12846734 (cited by Labcorp Genetics (formerly Invitae), Labcorp and Women's Health and Genetics/Laboratory Corporation of America, LabCorp); PubMed 29801666 (cited by Women's Health and Genetics/Laboratory Corporation of America, LabCorp); PubMed 33532864 (cited by Molecular Biology Laboratory, Fundació Puigvert).

NM_138694.4(PKHD1):c.1529del (p.Gly510fs)

Gene: PKHD1 (PKHD1 ciliary IPT domain containing fibrocystin/polyductin; minus strand). Cytogenetic location: 6p12.2.
Variant type: Deletion.
Coding change: c.1529del on transcript NM_138694.4 (MANE Select); coding-DNA position 1529, one base deleted (G; older notation c.1529delG).
Protein change: p.Gly510fs; shifts the reading frame from glycine 510.
Molecular consequence: frameshift variant.
Genome position (GRCh38, 1-based): chr6:52,056,963, C deleted on the plus strand (G on the coding strand, the reverse complement: PKHD1 is on the minus strand); the first of 2 consecutive C bases (chr6:52,056,963-52,056,964); deleting either gives the same sequence. VCF-style (leftmost placement, unchanged base first): chr6-52056962-GC-G. GRCh37 (hg19) VCF-style: chr6-51921760-GC-G.
Other names: c.1529del, p.Gly510fs (NM_170724.3); short protein forms G510fs.
Identifiers: ClinVar variation 917695 (VCV000917695.17), dbSNP rs1807855713, ClinGen allele CA1139659600.
Genomic context (GRCh38, chr6:52,056,962, plus strand): 5'-GGCATTTGCAGGGATTGGCTGACTAGAGACATTGTCCCAAGTAAGGAAGAAGTTTCCTCT[GC>G]CTGATACATTCAGCACCTAAAAAAGTCAAGACAGACAAGACTAAATGATGGTGCTAATTA-3'